The following is an entry in ClinVar:

NM_177438.3(DICER1):c.1828G>C (p.Val610Leu)

Gene: DICER1 (dicer 1, ribonuclease III; minus strand). Cytogenetic location: 14q32.13.
Variant type: single nucleotide variant.
Coding change: c.1828G>C on transcript NM_177438.3 (MANE Select); coding-DNA position 1828, G replaced by C.
Protein change: p.Val610Leu; replaces valine 610 with leucine.
Molecular consequence: missense variant.
Genome position (GRCh38, 1-based): chr14:95,115,746, C>G on the plus strand (G>C on the coding strand, the complement: DICER1 is on the minus strand). VCF-style: chr14-95115746-C-G. GRCh37 (hg19) VCF-style: chr14-95582083-C-G.
Other names: c.1828G>C, p.Val610Leu (NM_030621.4, NM_001195573.1, NM_001271282.3 and 1 more transcripts); short protein forms V610L.
Identifiers: ClinVar variation 477067 (VCV000477067.11), dbSNP rs1336108562, ClinGen allele CA390884041.

ClinVar aggregate classification (germline): Uncertain significance. Review status: criteria provided, multiple submitters, no conflicts (2 of 4 stars). 2 submissions from 2 submitters: Uncertain significance (2). Last evaluated 2026-07-07.

Conditions:
DICER1-related tumor predisposition. Also called: DICER1 syndrome; DICER1-related pleuropulmonary blastoma cancer predisposition syndrome. Identifiers: Orphanet 284343, MedGen C3839822, MONDO:0100216.
Hereditary cancer-predisposing syndrome. Also called: Neoplastic Syndromes, Hereditary; Hereditary neoplastic syndrome; Hereditary Cancer Syndrome; Tumor predisposition. Identifiers: Orphanet 140162, MedGen C0027672, MeSH D009386, MONDO:0015356.

Submissions (2):

Ambry Genetics
Classification: Uncertain significance for Hereditary cancer-predisposing syndrome. Last evaluated: 2026-07-07. Review status: criteria provided, single submitter. Criteria: Ambry Variant Classification Scheme 2023. Collection method: clinical testing. Allele origin: germline.
Comment: The p.V610L variant (also known as c.1828G>C), located in coding exon 10 of the DICER1 gene, results from a G to C substitution at nucleotide position 1828. The valine at codon 610 is replaced by leucine, an amino acid with highly similar properties. This amino acid position is conserved. In addition, this alteration is predicted to be tolerated by in silico analysis. Based on the available evidence, the clinical significance of this variant remains unclear.

Labcorp Genetics (formerly Invitae), Labcorp
Classification: Uncertain significance for DICER1-related tumor predisposition. Last evaluated: 2026-01-20. Review status: criteria provided, single submitter. Criteria: Invitae Variant Classification Sherloc (09022015). Collection method: clinical testing. Allele origin: germline.
Comment: This sequence change replaces valine, which is neutral and non-polar, with leucine, which is neutral and non-polar, at codon 610 of the DICER1 protein (p.Val610Leu). This variant is not present in population databases (gnomAD no frequency). This variant has not been reported in the literature in individuals affected with DICER1-related conditions. ClinVar contains an entry for this variant (Variation ID: 477067). Invitae Evidence Modeling of protein sequence and biophysical properties (such as structural, functional, and spatial information, amino acid conservation, physicochemical variation, residue mobility, and thermodynamic stability) indicates that this missense variant is not expected to disrupt DICER1 protein function with a negative predictive value of 95%. In summary, the available evidence is currently insufficient to determine the role of this variant in disease. Therefore, it has been classified as a Variant of Uncertain Significance.